The following is an entry in ClinVar:

ClinVar aggregate classification (germline): Uncertain significance (1 of 4 stars; one submission).

Conditions:
Arrhythmogenic right ventricular dysplasia 8 (ARVD8). Also called: Arrhythmogenic Right Ventricular Dysplasia/Cardiomyopathy 8; ARRHYTHMOGENIC RIGHT VENTRICULAR DYSPLASIA, FAMILIAL, 8; ARRHYTHMOGENIC RIGHT VENTRICULAR CARDIOMYOPATHY 8. Identifiers: MedGen C1843896, MONDO:0011831, OMIM 607450.
Arrhythmogenic cardiomyopathy with wooly hair and keratoderma. Also called: Arrhythmogenic cardiomyopathy with woolly hair and keratoderma; Carvajal syndrome; Dilated cardiomyopathy with woolly hair and keratoderma; PALMOPLANTAR KERATODERMA WITH LEFT VENTRICULAR CARDIOMYOPATHY AND WOOLLY HAIR. Identifiers: Orphanet 65282, MedGen C1854063, MONDO:0011581, OMIM 605676.

Submission:

Labcorp Genetics (formerly Invitae), Labcorp
Classification: Uncertain significance for Arrhythmogenic cardiomyopathy with wooly hair and keratoderma; Arrhythmogenic right ventricular dysplasia 8. Last evaluated: 2024-01-09. Review status: criteria provided, single submitter. Criteria: Invitae Variant Classification Sherloc (09022015). Collection method: clinical testing. Allele origin: germline.
Comment: This sequence change affects codon 242 of the DSP mRNA. It is a 'silent' change, meaning that it does not change the encoded amino acid sequence of the DSP protein. This variant also falls at the last nucleotide of exon 5, which is part of the consensus splice site for this exon. This variant is not present in population databases (gnomAD no frequency). This variant has not been reported in the literature in individuals affected with DSP-related conditions. Variants that disrupt the consensus splice site are a relatively common cause of aberrant splicing (PMID: 17576681, 9536098). Algorithms developed to predict the effect of sequence changes on RNA splicing suggest that this variant may disrupt the consensus splice site. In summary, the available evidence is currently insufficient to determine the role of this variant in disease. Therefore, it has been classified as a Variant of Uncertain Significance.

Literature cited by the submitters: PubMed 17576681; PubMed 9536098.

NM_004415.4(DSP):c.726G>A (p.Leu242=)

Gene: DSP (desmoplakin; plus strand). Cytogenetic location: 6p24.3.
Variant type: single nucleotide variant.
Coding change: c.726G>A on transcript NM_004415.4 (MANE Select); coding-DNA position 726, G replaced by A.
Protein change: p.Leu242=; no amino-acid change (leucine 242 retained).
Molecular consequence: synonymous variant.
Genome position (GRCh38, 1-based): chr6:7,562,780, G>A. VCF-style: chr6-7562780-G-A. GRCh37 (hg19) VCF-style: chr6-7563013-G-A.
Other names: c.726G>A, p.Leu242= (NM_001008844.3, NM_001319034.2, NM_001406591.1).
Identifiers: ClinVar variation 2922060 (VCV002922060.3), dbSNP rs2113665384, ClinGen allele CA448516636.